The following is an entry in ClinVar:

ClinVar aggregate classification (germline): Uncertain significance. Review status: criteria provided, multiple submitters, no conflicts (2 of 4 stars). 2 submissions from 2 submitters: Uncertain significance (2). Last evaluated 2025-12-09.

Conditions:
Inborn genetic diseases. Identifiers: MedGen C0950123, MeSH D030342.
Retinitis pigmentosa 20 (RP20). Identifiers: Orphanet 791, MedGen C3151086, MONDO:0013425, OMIM 613794.
Leber congenital amaurosis 2 (LCA2). Also called: AMAUROSIS CONGENITA OF LEBER II; Autosomal Recessive RPE65-Related Retinal Degeneration. Identifiers: Orphanet 65, MedGen C1859844, MONDO:0008765, OMIM 204100. Disease mechanism: loss of function.

gnomAD v4.1: 12 of 1,613,802 alleles (0.00074%); highest among the groups gnomAD compares: Admixed American, 0.013%; no homozygotes.

Submissions (2):

Labcorp Genetics (formerly Invitae), Labcorp
Classification: Uncertain significance for Leber congenital amaurosis 2; Retinitis pigmentosa 20. Last evaluated: 2025-12-09. Review status: criteria provided, single submitter. Criteria: Invitae Variant Classification Sherloc (09022015). Collection method: clinical testing. Allele origin: germline.
Comment: This sequence change replaces phenylalanine, which is neutral and non-polar, with leucine, which is neutral and non-polar, at codon 229 of the RPE65 protein (p.Phe229Leu). This variant is present in population databases (rs766880580, gnomAD 0.01%). This variant has not been reported in the literature in individuals affected with RPE65-related conditions. ClinVar contains an entry for this variant (Variation ID: 3435054). Invitae Evidence Modeling of protein sequence and biophysical properties (such as structural, functional, and spatial information, amino acid conservation, physicochemical variation, residue mobility, and thermodynamic stability) indicates that this missense variant is not expected to disrupt RPE65 protein function with a negative predictive value of 80%. In summary, the available evidence is currently insufficient to determine the role of this variant in disease. Therefore, it has been classified as a Variant of Uncertain Significance.

Ambry Genetics
Classification: Uncertain significance for Inborn genetic diseases. Last evaluated: 2024-11-22. Review status: criteria provided, single submitter. Criteria: Ambry Variant Classification Scheme 2023. Collection method: clinical testing. Allele origin: germline.

NM_000329.3(RPE65):c.687C>A (p.Phe229Leu)

Gene: RPE65 (retinoid isomerohydrolase RPE65; minus strand). Cytogenetic location: 1p31.3.
Variant type: single nucleotide variant.
Coding change: c.687C>A on transcript NM_000329.3 (MANE Select); coding-DNA position 687, C replaced by A.
Protein change: p.Phe229Leu; replaces phenylalanine 229 with leucine.
Molecular consequence: missense variant.
Genome position (GRCh38, 1-based): chr1:68,439,599, G>T on the plus strand (C>A on the coding strand, the complement: RPE65 is on the minus strand). VCF-style: chr1-68439599-G-T. GRCh37 (hg19) VCF-style: chr1-68905282-G-T.
Other names: c.579C>A, p.Phe193Leu (NM_001406853.1); c.411C>A, p.Phe137Leu (NM_001406856.1, NM_001406857.1); c.687C>A, p.Phe229Leu (NM_001406859.1); short protein forms F229L, F137L, F193L.
Identifiers: ClinVar variation 3435054 (VCV003435054.3).